The following is an entry in ClinVar:

ClinVar aggregate classification (germline): Uncertain significance (1 of 4 stars; one submission).

Conditions:
Primary ciliary dyskinesia. Also called: Ciliary dyskinesia. Identifiers: Orphanet 244, MedGen C0008780, MONDO:0016575, HP:0012265.

gnomAD v4.1: 4 of 1,613,748 alleles (0.00025%); highest among the groups gnomAD compares: African/African-American, 0.0053%; no homozygotes.

Submission:

Labcorp Genetics (formerly Invitae), Labcorp
Classification: Uncertain significance for Primary ciliary dyskinesia. Last evaluated: 2024-11-11. Review status: criteria provided, single submitter. Criteria: Invitae Variant Classification Sherloc (09022015). Collection method: clinical testing. Allele origin: germline.
Comment: This sequence change replaces glutamic acid, which is acidic and polar, with lysine, which is basic and polar, at codon 3273 of the DNAH11 protein (p.Glu3273Lys). This variant is not present in population databases (gnomAD no frequency). This variant has not been reported in the literature in individuals affected with DNAH11-related conditions. Invitae Evidence Modeling of protein sequence and biophysical properties (such as structural, functional, and spatial information, amino acid conservation, physicochemical variation, residue mobility, and thermodynamic stability) indicates that this missense variant is not expected to disrupt DNAH11 protein function with a negative predictive value of 95%. In summary, the available evidence is currently insufficient to determine the role of this variant in disease. Therefore, it has been classified as a Variant of Uncertain Significance.

NM_001277115.2(DNAH11):c.9817G>A (p.Glu3273Lys)

Gene: DNAH11 (dynein axonemal heavy chain 11; plus strand). Cytogenetic location: 7p15.3.
Variant type: single nucleotide variant.
Coding change: c.9817G>A on transcript NM_001277115.2 (MANE Select); coding-DNA position 9817, G replaced by A.
Protein change: p.Glu3273Lys; replaces glutamic acid 3273 with lysine.
Molecular consequence: missense variant.
Genome position (GRCh38, 1-based): chr7:21,787,476, G>A. VCF-style: chr7-21787476-G-A. GRCh37 (hg19) VCF-style: chr7-21827094-G-A.
Other names: short protein forms E3273K.
Identifiers: ClinVar variation 3703044 (VCV003703044.2).